The following is an entry in ClinVar:

ClinVar aggregate classification (germline): Pathogenic (1 of 4 stars; one submission).

Conditions:
Gnathodiaphyseal dysplasia (GDD). Also called: GNATHODIAPHYSEAL SCLEROSIS; OSTEOGENESIS IMPERFECTA WITH UNUSUAL SKELETAL LESIONS. Identifiers: Orphanet 53697, MedGen C1833736, MONDO:0008151, OMIM 166260.
Autosomal recessive limb-girdle muscular dystrophy type 2L (LGMDR12). Also called: Limb-girdle muscular dystrophy, type 2L; MUSCULAR DYSTROPHY, LIMB-GIRDLE, AUTOSOMAL RECESSIVE 12; Limb-Girdle Muscular Dystrophy R12 Anoctamin-5-Related (LGMD-R12). Identifiers: Orphanet 206549, MedGen C1969785, MONDO:0012652, OMIM 611307.

Submission:

Labcorp Genetics (formerly Invitae), Labcorp
Classification: Pathogenic for Autosomal recessive limb-girdle muscular dystrophy type 2L; Gnathodiaphyseal dysplasia. Last evaluated: 2024-02-02. Review status: criteria provided, single submitter. Criteria: Invitae Variant Classification Sherloc (09022015). Collection method: clinical testing. Allele origin: germline.
Comment: This sequence change creates a premature translational stop signal (p.Pro251Leufs*42) in the ANO5 gene. It is expected to result in an absent or disrupted protein product. Loss-of-function variants in ANO5 are known to be pathogenic (PMID: 21186264, 23606453, 25891276, 30919934). This variant is not present in population databases (gnomAD no frequency). This variant has not been reported in the literature in individuals affected with ANO5-related conditions. Algorithms developed to predict the effect of sequence changes on RNA splicing suggest that this variant may disrupt the consensus splice site. For these reasons, this variant has been classified as Pathogenic.

Literature cited by the submitters: PubMed 21186264; PubMed 23606453; PubMed 25891276; PubMed 30919934.

NM_213599.3(ANO5):c.744_751dup (p.Pro251fs)

Gene: ANO5 (anoctamin 5; plus strand). Cytogenetic location: 11p14.3.
Variant type: Duplication.
Coding change: c.744_751dup on transcript NM_213599.3 (MANE Select); coding-DNA positions 744 to 751, 8 bases duplicated (TGCCTATC; older notation c.744_751dupTGCCTATC).
Protein change: p.Pro251fs; shifts the reading frame from proline 251.
Molecular consequence: frameshift variant.
Genome position (GRCh38, 1-based): chr11:22,236,258-22,236,265, TGCCTATC duplicated; duplicating any 8 consecutive bases within chr11:22,236,255-22,236,265 gives the same sequence; the c. name uses the placement nearest the transcript's 3' end. VCF-style (leftmost placement, unchanged base first): chr11-22236254-C-CATCTGCCT. GRCh37 (hg19) VCF-style: chr11-22257800-C-CATCTGCCT.
Other names: c.741_748dup, p.Pro250fs (NM_001142649.2); c.702_709dup, p.Pro237fs (NM_001410963.1); c.699_706dup, p.Pro236fs (NM_001410964.1); short protein forms P236fs, P237fs, P250fs, P251fs.
Identifiers: ClinVar variation 3754282 (VCV003754282.2).